The following is an entry in ClinVar:

ClinVar aggregate classification (germline): Uncertain significance (1 of 4 stars; one submission).

Conditions:
PTCH1-related disorder. Also called: PTCH1-related disorders; PTCH1-related condition.

Submission:

PreventionGenetics, part of Exact Sciences
Classification: Uncertain significance for PTCH1-related condition. Last evaluated: 2022-10-11. Review status: criteria provided, single submitter. Criteria: ACMG Guidelines, 2015. Collection method: clinical testing. Allele origin: germline.
Comment: The PTCH1 c.3022A>G variant is predicted to result in the amino acid substitution p.Ser1008Gly. To our knowledge, this variant has not been reported in the literature or in a large population database, indicating this variant is rare. At this time, the clinical significance of this variant is uncertain due to the absence of conclusive functional and genetic evidence.

NM_000264.5(PTCH1):c.3022A>G (p.Ser1008Gly)

Gene: PTCH1 (patched 1; minus strand). Cytogenetic location: 9q22.32.
Variant type: single nucleotide variant.
Coding change: c.3022A>G on transcript NM_000264.5 (MANE Select); coding-DNA position 3022, A replaced by G.
Protein change: p.Ser1008Gly; replaces serine 1008 with glycine.
Molecular consequence: missense variant. On other transcripts: non-coding transcript variant (1).
Genome position (GRCh38, 1-based): chr9:95,458,159, T>C on the plus strand (A>G on the coding strand, the complement: PTCH1 is on the minus strand). VCF-style: chr9-95458159-T-C. GRCh37 (hg19) VCF-style: chr9-98220441-T-C.
Other names: c.2824A>G, p.Ser942Gly (NM_001083602.3); c.3019A>G, p.Ser1007Gly (NM_001083603.3); c.2569A>G, p.Ser857Gly (NM_001083604.3, NM_001083605.3, NM_001083606.3 and 1 more transcripts); c.2866A>G, p.Ser956Gly (NM_001354918.2); short protein forms S1007G, S1008G, S857G, S942G, S956G.
Identifiers: ClinVar variation 2637019 (VCV002637019.1), dbSNP rs2538068422, ClinGen allele CA374112563.